The following is an entry in ClinVar:

NM_033028.5(BBS4):c.438A>G (p.Ile146Met)

Gene: BBS4 (Bardet-Biedl syndrome 4; plus strand). Cytogenetic location: 15q24.1.
Variant type: single nucleotide variant.
Coding change: c.438A>G on transcript NM_033028.5 (MANE Select); coding-DNA position 438, A replaced by G.
Protein change: p.Ile146Met; replaces isoleucine 146 with methionine.
Molecular consequence: missense variant. On other transcripts: 5 prime UTR variant (1), non-coding transcript variant (2).
Genome position (GRCh38, 1-based): chr15:72,722,826, A>G. VCF-style: chr15-72722826-A-G. GRCh37 (hg19) VCF-style: chr15-73015167-A-G.
Other names: c.-79A>G (NM_001252678.2); c.438A>G, p.Ile146Met (NM_001320665.2); short protein forms I146M.
Identifiers: ClinVar variation 3346573 (VCV003346573.1).

ClinVar aggregate classification (germline): Uncertain significance (0 of 4 stars; one submission).

Conditions:
BBS4-related disorder. Also called: BBS4-related condition.

Submission:

PreventionGenetics, part of Exact Sciences
Classification: Uncertain significance for BBS4-related condition. Last evaluated: 2024-08-22. Review status: no assertion criteria provided. Collection method: clinical testing. Allele origin: germline.
Comment: The BBS4 c.438A>G variant is predicted to result in the amino acid substitution p.Ile146Met. To our knowledge, this variant has not been reported in the literature. This variant is reported in 0.0099% of alleles in individuals of Ashkenazi Jewish descent in gnomAD. At this time, the clinical significance of this variant is uncertain due to the absence of conclusive functional and genetic evidence.